The following is an entry in ClinVar:

NM_001276345.2(TNNT2):c.601-8C>A

Gene: TNNT2 (troponin T2, cardiac type; minus strand). Cytogenetic location: 1q32.1.
Variant type: single nucleotide variant.
Coding change: c.601-8C>A on transcript NM_001276345.2 (MANE Select); 8 bases into the intron before coding-DNA position 601, C replaced by A.
Molecular consequence: intron variant.
Genome position (GRCh38, 1-based): chr1:201,362,402, G>T on the plus strand (C>A on the coding strand, the complement: TNNT2 is on the minus strand). VCF-style: chr1-201362402-G-T. GRCh37 (hg19) VCF-style: chr1-201331530-G-T.
Other names: c.601-380C>A (NM_000364.4); c.571-8C>A (NM_001276347.2, NM_001001430.3); c.556-11C>A (NM_001001432.3); c.571-380C>A (NM_001001431.3); c.481-380C>A (NM_001276346.2).
Identifiers: ClinVar variation 505238 (VCV000505238.10), dbSNP rs397516475, ClinGen allele CA35419118.
Genomic context (GRCh38, chr1:201,362,402, plus strand): 5'-CAAAACTATGGGGAGGAAGAAGGCTTGAGGTTTTTGGTACCCACCTGGGCCTGCTAAACC[G>T]GGAAACCATGAGAGAGAGGCCCATAGAAAAAGACCAAGACGGCAACAGAGACACAGAGAG-3'

ClinVar aggregate classification (germline): Conflicting classifications of pathogenicity. Review status: criteria provided, conflicting classifications (1 of 4 stars). 3 submissions from 3 submitters: Uncertain significance (2); Likely benign (1). Last evaluated 2025-09-03.

Conditions:
Hypertrophic cardiomyopathy 2. Also called: TNNT2-Related Familial Hypertrophic Cardiomyopathy. Identifiers: MedGen C1861864, MONDO:0007266, OMIM 115195.
Cardiomyopathy, familial restrictive, 3. Identifiers: Orphanet 75249, MedGen C2676271, MONDO:0012900, OMIM 612422.
Dilated cardiomyopathy 1D. Identifiers: Orphanet 154, Orphanet 54260, MedGen C1832243, MONDO:0011095, OMIM 601494.
Cardiomyopathy (CMYO). Also called: Cardiomyopathies. Identifiers: Orphanet 167848, MedGen C0878544, MONDO:0004994, HP:0001638. Inheritance: Various modes of inheritance.

gnomAD v4.1: 3 of 1,613,614 alleles (0.00019%); highest among the groups gnomAD compares: Non-Finnish European, 0.00025%; no homozygotes.

Submissions (3):

Labcorp Genetics (formerly Invitae), Labcorp
Classification: Likely benign for Cardiomyopathy, familial restrictive, 3; Hypertrophic cardiomyopathy 2; Dilated cardiomyopathy 1D. Last evaluated: 2025-09-03. Review status: criteria provided, single submitter. Criteria: Invitae Variant Classification Sherloc (09022015). Collection method: clinical testing. Allele origin: germline.

Color Diagnostics, LLC DBA Color Health
Classification: Uncertain significance for Cardiomyopathy. Last evaluated: 2023-05-09. Review status: criteria provided, single submitter. Criteria: ACMG Guidelines, 2015. Collection method: clinical testing. Allele origin: germline.
Comment: This variant causes a C to A nucleotide substitution at the -8 position of intron 11 of the TNNT2 gene. Splice prediction tools suggest that this variant may impact RNA splicing. To our knowledge, functional studies have not been reported for this variant. This variant has not been reported in individuals affected with TNNT2-related disorders in the literature. This variant has not been identified in the general population by the Genome Aggregation Database (gnomAD). The available evidence is insufficient to determine the role of this variant in disease conclusively. Therefore, this variant is classified as a Variant of Uncertain Significance.

Laboratory for Molecular Medicine, Mass General Brigham Personalized Medicine
Classification: Uncertain significance. Last evaluated: 2016-07-21. Review status: criteria provided, single submitter. Criteria: LMM Criteria. Collection method: clinical testing. Allele origin: germline. Observed: 1 variant allele.
Comment: The c.571-8C>A variant in TNNT2 has not been previously reported in individuals with cardiomyopathy or in large population studies. This variant is located in t he 3' splice region. Computational tools suggest a possible impact to splicing. However, this information is not predictive enough to determine pathogenicity. I n summary, the clinical significance of the c.571-8C>A variant is uncertain.